The following is an entry in ClinVar:

NM_176787.5(PIGN):c.1556G>A (p.Trp519Ter)

Gene: PIGN (phosphatidylinositol glycan anchor biosynthesis class N; minus strand). Cytogenetic location: 18q21.33.
Variant type: single nucleotide variant.
Coding change: c.1556G>A on transcript NM_176787.5 (MANE Select); coding-DNA position 1556, G replaced by A.
Protein change: p.Trp519Ter; replaces tryptophan 519 with a stop codon.
Molecular consequence: nonsense.
Genome position (GRCh38, 1-based): chr18:62,109,852, C>T on the plus strand (G>A on the coding strand, the complement: PIGN is on the minus strand). VCF-style: chr18-62109852-C-T. GRCh37 (hg19) VCF-style: chr18-59777085-C-T.
Other names: c.1556G>A, p.Trp519Ter (NM_012327.6); short protein forms W519*.
Identifiers: ClinVar variation 2976346 (VCV002976346.4), dbSNP rs764672734, ClinGen allele CA8982260.

ClinVar aggregate classification (germline): Pathogenic/Likely pathogenic. Review status: criteria provided, multiple submitters, no conflicts (2 of 4 stars). 2 submissions from 2 submitters: Pathogenic (1); Likely pathogenic (1). Last evaluated 2025-10-02.

Conditions:
PIGN-related disorder. Also called: PIGN-related condition.
Multiple congenital anomalies-hypotonia-seizures syndrome 1 (MCAHS1). Also called: GLYCOSYLPHOSPHATIDYLINOSITOL BIOSYNTHESIS DEFECT 3; PIGN-CDG; Congenital disorder of glycosylation due to PIGN deficiency. Identifiers: Orphanet 280633, MedGen C3279775, MONDO:0013563, OMIM 614080.

Allele frequency attached by ClinVar (database versions not stated): TOPMed below 0.00001; ExAC 0.00001; gnomAD 0.00001; gnomAD exomes 0.00001.
gnomAD v4.1: 7 of 1,611,518 alleles (0.00043%); highest among the groups gnomAD compares: African/African-American, 0.0013%; no homozygotes.

Submissions (2):

Labcorp Genetics (formerly Invitae), Labcorp
Classification: Pathogenic for Multiple congenital anomalies-hypotonia-seizures syndrome 1. Last evaluated: 2025-10-02. Review status: criteria provided, single submitter. Criteria: Invitae Variant Classification Sherloc (09022015). Collection method: clinical testing. Allele origin: germline.
Comment: This sequence change creates a premature translational stop signal (p.Trp519*) in the PIGN gene. It is expected to result in an absent or disrupted protein product. Loss-of-function variants in PIGN are known to be pathogenic (PMID: 24253414, 27038415). This variant is present in population databases (rs764672734, gnomAD 0.0009%). This premature translational stop signal has been observed in individual(s) with clinical features of PIGN-associated conditions (PMID: 34930662). ClinVar contains an entry for this variant (Variation ID: 2976346). For these reasons, this variant has been classified as Pathogenic.

Blueprint Genetics
Classification: Likely pathogenic for PIGN-related disorders. Last evaluated: 2018-10-22. Review status: criteria provided, single submitter. Criteria: ACMG Guidelines, 2015. Collection method: clinical testing. Allele origin: germline. Affected: yes. Observed: 1 variant allele.

Literature cited by the submitters: PubMed 24253414 (cited by Labcorp Genetics (formerly Invitae), Labcorp); PubMed 27038415 (cited by Labcorp Genetics (formerly Invitae), Labcorp); PubMed 34930662 (cited by Labcorp Genetics (formerly Invitae), Labcorp).